The following is an entry in ClinVar:

ClinVar aggregate classification (germline): Pathogenic (1 of 4 stars; one submission).

Submission:

Labcorp Genetics (formerly Invitae), Labcorp
Classification: Pathogenic. Last evaluated: 2024-08-29. Review status: criteria provided, single submitter. Criteria: Invitae Variant Classification Sherloc (09022015). Collection method: clinical testing. Allele origin: germline.
Comment: This sequence change creates a premature translational stop signal (p.Ser36Glnfs*33) in the IHH gene. It is expected to result in an absent or disrupted protein product. Loss-of-function variants in IHH are known to be pathogenic (PMID: 11455389, 19277064). This variant is not present in population databases (gnomAD no frequency). This variant has not been reported in the literature in individuals affected with IHH-related conditions. For these reasons, this variant has been classified as Pathogenic.

Literature cited by the submitters: PubMed 11455389; PubMed 19277064.

NM_002181.4(IHH):c.101dup (p.Ser36fs)

Gene: IHH (Indian hedgehog signaling molecule; minus strand). Cytogenetic location: 2q35.
Variant type: Duplication.
Coding change: c.101dup on transcript NM_002181.4 (MANE Select); coding-DNA position 101, one base duplicated (T; older notation c.101dupT).
Protein change: p.Ser36fs; shifts the reading frame from serine 36.
Molecular consequence: frameshift variant.
Genome position (GRCh38, 1-based): chr2:219,060,367, A duplicated on the plus strand (T on the coding strand, the reverse complement: IHH is on the minus strand). VCF-style (leftmost placement, unchanged base first): chr2-219060366-C-CA. GRCh37 (hg19) VCF-style: chr2-219925088-C-CA.
Other names: short protein forms S36fs.
Identifiers: ClinVar variation 3663894 (VCV003663894.2).